The following is an entry in ClinVar:

ClinVar aggregate classification (germline): Benign/Likely benign. Review status: criteria provided, multiple submitters, no conflicts (2 of 4 stars). 4 submissions from 4 submitters: Benign (1); Likely benign (3). Last evaluated 2024-08-28.

Conditions:
Hereditary cancer-predisposing syndrome. Also called: Tumor predisposition; Hereditary neoplastic syndrome; Neoplastic Syndromes, Hereditary; Hereditary Cancer Syndrome. Identifiers: Orphanet 140162, MedGen C0027672, MeSH D009386, MONDO:0015356.
Familial cancer of breast. Also called: Hereditary breast cancer; hereditary breast carcinoma; BREAST CANCER, FAMILIAL. Identifiers: Orphanet 227535, MedGen C0346153, MONDO:0016419, OMIM 114480. Disease mechanism: loss of function.
Fanconi anemia complementation group J. Also called: BRIP1-Related Fanconi Anemia. Identifiers: Orphanet 84, MedGen C1836860, MONDO:0012187, OMIM 609054.

Submissions (4):

Myriad Genetics, Inc.
Classification: Benign for Familial cancer of breast. Last evaluated: 2024-08-28. Review status: criteria provided, single submitter. Criteria: Myriad Autosomal Dominant, Autosomal Recessive and X-Linked Classification Criteria (2023). Collection method: clinical testing. Allele origin: unknown.
Comment: This variant is considered benign. This variant is a silent/synonymous amino acid change and it is not expected to impact splicing.

Labcorp Genetics (formerly Invitae), Labcorp
Classification: Likely benign for Familial cancer of breast; Fanconi anemia complementation group J. Last evaluated: 2023-12-03. Review status: criteria provided, single submitter. Criteria: Invitae Variant Classification Sherloc (09022015). Collection method: clinical testing. Allele origin: germline.

Department of Pathology and Laboratory Medicine, Sinai Health System
Classification: Likely benign for Familial cancer of breast. Last evaluated: 2023-09-15. Review status: criteria provided, single submitter. Criteria: ACMG Guidelines, 2015. Collection method: clinical testing. Allele origin: germline. Affected: yes.

Ambry Genetics
Classification: Likely benign for Hereditary cancer-predisposing syndrome. Last evaluated: 2023-01-05. Review status: criteria provided, single submitter. Criteria: Ambry Variant Classification Scheme 2023. Collection method: clinical testing. Allele origin: germline.

NM_032043.3(BRIP1):c.1602T>C (p.Leu534=)

Gene: BRIP1 (BRCA1 interacting DNA helicase 1; minus strand). Cytogenetic location: 17q23.2.
Variant type: single nucleotide variant.
Coding change: c.1602T>C on transcript NM_032043.3 (MANE Select); coding-DNA position 1602, T replaced by C.
Protein change: p.Leu534=; no amino-acid change (leucine 534 retained).
Molecular consequence: synonymous variant.
Genome position (GRCh38, 1-based): chr17:61,784,296, A>G on the plus strand (T>C on the coding strand, the complement: BRIP1 is on the minus strand). VCF-style: chr17-61784296-A-G. GRCh37 (hg19) VCF-style: chr17-59861657-A-G.
Other names: c.1602T>C (NM_032043.2).
Identifiers: ClinVar variation 1636120 (VCV001636120.12), dbSNP rs974139602, ClinGen allele CA292283047.